The following is an entry in ClinVar:

NM_000523.4(HOXD13):c.267G>A (p.Ser89=)

Gene: HOXD13 (homeobox D13; plus strand). Cytogenetic location: 2q31.1.
Variant type: single nucleotide variant.
Coding change: c.267G>A on transcript NM_000523.4 (MANE Select); coding-DNA position 267, G replaced by A.
Protein change: p.Ser89=; no amino-acid change (serine 89 retained).
Molecular consequence: synonymous variant.
Genome position (GRCh38, 1-based): chr2:176,093,157, G>A. VCF-style: chr2-176093157-G-A. GRCh37 (hg19) VCF-style: chr2-176957885-G-A.
Identifiers: ClinVar variation 702386 (VCV000702386.15), dbSNP rs772479524, ClinGen allele CA1976556.

ClinVar aggregate classification (germline): Benign/Likely benign. Review status: criteria provided, multiple submitters, no conflicts (2 of 4 stars). 3 submissions from 3 submitters: Benign (1); Likely benign (1). 1 of the submissions does not count toward it. Last evaluated 2026-09-01.

Conditions:
HOXD13-related disorder. Also called: HOXD13-related condition; HOXD13-related disorders.

Allele frequency attached by ClinVar (database versions not stated): 1000 Genomes Project 30x 0.00016; gnomAD 0.00026 and 0.00027; TOPMed 0.00120; ExAC 0.00164; gnomAD exomes 0.00229.
gnomAD v4.1: 664 of 1,607,314 alleles (0.041%); highest among the groups gnomAD compares: Admixed American, 1.1%; 9 homozygotes.

Submissions (3):

CeGaT Center for Human Genetics Tuebingen
Classification: Likely benign. Last evaluated: 2026-09-01. Review status: criteria provided, single submitter. Criteria: CeGaT Center For Human Genetics Tuebingen Variant Classification Criteria Version 2. Collection method: clinical testing. Allele origin: germline. Affected: yes. Observed: 3 variant alleles.
Comment: HOXD13: BP4, BP7, BS1

Labcorp Genetics (formerly Invitae), Labcorp
Classification: Benign. Last evaluated: 2025-11-10. Review status: criteria provided, single submitter. Criteria: Invitae Variant Classification Sherloc (09022015). Collection method: clinical testing. Allele origin: germline.

PreventionGenetics, part of Exact Sciences
Classification: Benign for HOXD13-related condition. Last evaluated: 2020-06-11. Review status: no assertion criteria provided. Collection method: clinical testing. Allele origin: germline. Not counted in ClinVar's aggregate classification.
Comment: This variant is classified as benign based on ACMG/AMP sequence variant interpretation guidelines (Richards et al. 2015 PMID: 25741868, with internal and published modifications).